The following is an entry in ClinVar:

ClinVar aggregate classification (germline): Uncertain significance (1 of 4 stars; one submission).

Allele frequency attached by ClinVar (database versions not stated): gnomAD exomes below 0.00001; TOPMed below 0.00001; gnomAD 0.00002.
gnomAD v4.1: 7 of 1,613,904 alleles (0.00043%); highest among the groups gnomAD compares: Non-Finnish European, 0.00059%; no homozygotes.

Submission:

Labcorp Genetics (formerly Invitae), Labcorp
Classification: Uncertain significance. Last evaluated: 2021-12-20. Review status: criteria provided, single submitter. Criteria: Invitae Variant Classification Sherloc (09022015). Collection method: clinical testing. Allele origin: germline.
Comment: This sequence change replaces leucine, which is neutral and non-polar, with proline, which is neutral and non-polar, at codon 52 of the FAT4 protein (p.Leu52Pro). The frequency data for this variant in the population databases is considered unreliable, as metrics indicate poor data quality at this position in the gnomAD database. This variant has not been reported in the literature in individuals affected with FAT4-related conditions. Advanced modeling of protein sequence and biophysical properties (such as structural, functional, and spatial information, amino acid conservation, physicochemical variation, residue mobility, and thermodynamic stability) performed at Invitae indicates that this missense variant is not expected to disrupt FAT4 protein function. In summary, the available evidence is currently insufficient to determine the role of this variant in disease. Therefore, it has been classified as a Variant of Uncertain Significance.

NM_001291303.3(FAT4):c.155T>C (p.Leu52Pro)

Gene: FAT4 (FAT atypical cadherin 4; plus strand). Cytogenetic location: 4q28.1.
Variant type: single nucleotide variant.
Coding change: c.155T>C on transcript NM_001291303.3 (MANE Select); coding-DNA position 155, T replaced by C.
Protein change: p.Leu52Pro; replaces leucine 52 with proline.
Molecular consequence: missense variant.
Genome position (GRCh38, 1-based): chr4:125,316,566, T>C. VCF-style: chr4-125316566-T-C. GRCh37 (hg19) VCF-style: chr4-126237721-T-C.
Other names: c.155T>C, p.Leu52Pro (NM_001291285.3, NM_024582.6); short protein forms L52P.
Identifiers: ClinVar variation 1926169 (VCV001926169.2), dbSNP rs1355443607, ClinGen allele CA358115214.